The following is an entry in ClinVar:

NM_000350.3(ABCA4):c.3564_3566delinsAAG (p.Cys1188_Pro1189delinsTer)

Gene: ABCA4 (ATP binding cassette subfamily A member 4; minus strand). Cytogenetic location: 1p22.1.
Variant type: Indel.
Coding change: c.3564_3566delinsAAG on transcript NM_000350.3 (MANE Select); coding-DNA positions 3564 to 3566, TCC replaced by AAG.
Protein change: p.Cys1188_Pro1189delinsTer.
Molecular consequence: nonsense.
Genome position (GRCh38, 1-based): chr1:94,040,084-94,040,086, GGA replaced by CTT on the plus strand (TCC replaced by AAG on the coding strand, the reverse complement: ABCA4 is on the minus strand). VCF-style: chr1-94040084-GGA-CTT. GRCh37 (hg19) VCF-style: chr1-94505640-GGA-CTT.
Other names: c.3342_3344delTCCinsAAG, p.Cys1114Ter (NM_001425324.1); short protein forms C1114*.
Identifiers: ClinVar variation 2014237 (VCV002014237.4), dbSNP rs2523760441, ClinGen allele CA2580063418.

ClinVar aggregate classification (germline): Pathogenic (1 of 4 stars; one submission).

Submission:

Labcorp Genetics (formerly Invitae), Labcorp
Classification: Pathogenic. Last evaluated: 2022-07-05. Review status: criteria provided, single submitter. Criteria: Invitae Variant Classification Sherloc (09022015). Collection method: clinical testing. Allele origin: germline.
Comment: For these reasons, this variant has been classified as Pathogenic. This variant has not been reported in the literature in individuals affected with ABCA4-related conditions. Information on the frequency of this variant in the gnomAD database is not available, as this variant may be reported differently in the database. This sequence change creates a premature translational stop signal (p.Cys1188*) in the ABCA4 gene. It is expected to result in an absent or disrupted protein product. Loss-of-function variants in ABCA4 are known to be pathogenic (PMID: 10958761, 24938718, 25312043, 26780318).

Literature cited by the submitters: PubMed 10958761; PubMed 24938718; PubMed 25312043; PubMed 26780318.